The following is an entry in ClinVar:

NM_201548.5(CERKL):c.132G>C (p.Glu44Asp)

Gene: CERKL (CERK like autophagy regulator; minus strand). Cytogenetic location: 2q31.3.
Variant type: single nucleotide variant.
Coding change: c.132G>C on transcript NM_201548.5 (MANE Select); coding-DNA position 132, G replaced by C.
Protein change: p.Glu44Asp; replaces glutamic acid 44 with aspartic acid.
Molecular consequence: missense variant. On other transcripts: non-coding transcript variant (2).
Genome position (GRCh38, 1-based): chr2:181,656,875, C>G on the plus strand (G>C on the coding strand, the complement: CERKL is on the minus strand). VCF-style: chr2-181656875-C-G. GRCh37 (hg19) VCF-style: chr2-182521602-C-G.
Other names: c.132G>C, p.Glu44Asp (NM_001030311.3, NM_001030312.3, NM_001030313.3 and 1 more transcripts); short protein forms E44D.
Identifiers: ClinVar variation 166850 (VCV000166850.60), dbSNP rs727503857, ClinGen allele CA233693.

ClinVar aggregate classification (germline): Conflicting classifications of pathogenicity. Review status: criteria provided, conflicting classifications (1 of 4 stars). 7 submissions from 7 submitters: Uncertain significance (3); Benign (1); Likely benign (2). 1 of the submissions does not count toward it. Last evaluated 2026-01-19.

Conditions:
CERKL-related disorder. Also called: CERKL-related condition.
Retinitis pigmentosa (RP). Identifiers: Orphanet 791, MedGen C0035334, MeSH D012174, MONDO:0019200, OMIM 268000. Inheritance: Autosomal dominant, autosomal recessive and X linked inheritance.

Allele frequency attached by ClinVar (database versions not stated): gnomAD 0.00005 and below 0.00001; TOPMed 0.00003; gnomAD exomes 0.00047; ExAC 0.00061.
gnomAD v4.1: 291 of 1,605,582 alleles (0.018%); highest among the groups gnomAD compares: South Asian, 0.25%; 3 homozygotes.

Submissions (7):

Labcorp Genetics (formerly Invitae), Labcorp
Classification: Benign. Last evaluated: 2026-01-19. Review status: criteria provided, single submitter. Criteria: Invitae Variant Classification Sherloc (09022015). Collection method: clinical testing. Allele origin: germline.

PreventionGenetics, part of Exact Sciences
Classification: Likely benign for CERKL-related condition. Last evaluated: 2024-11-22. Review status: criteria provided, single submitter. Criteria: ACMG Guidelines, 2015. Collection method: clinical testing. Allele origin: germline.
Comment: This variant is classified as likely benign based on ACMG/AMP sequence variant interpretation guidelines (Richards et al. 2015 PMID: 25741868, with internal and published modifications).

Blueprint Genetics
Classification: Likely benign. Last evaluated: 2024-11-13. Review status: criteria provided, single submitter. Criteria: ACMG Guidelines, 2015. Collection method: clinical testing. Allele origin: germline.

Illumina Laboratory Services, Illumina
Classification: Uncertain significance for Retinitis pigmentosa. Last evaluated: 2018-01-13. Review status: criteria provided, single submitter. Criteria: ICSL Variant Classification Criteria 13 December 2019. Collection method: clinical testing. Allele origin: germline.

CeGaT Center for Human Genetics Tuebingen
Classification: Uncertain significance. Last evaluated: 2016-07-01. Review status: criteria provided, single submitter. Criteria: CeGaT Center For Human Genetics Tuebingen Variant Classification Criteria Version 2. Collection method: clinical testing. Allele origin: germline. Affected: yes. Observed: 1 variant allele.

Eurofins Ntd Llc (ga)
Classification: Uncertain significance. Last evaluated: 2013-12-27. Review status: criteria provided, single submitter. Criteria: EGL Classification Definitions 2015. Collection method: clinical testing. Allele origin: germline. Observed: 1 variant allele, 1 heterozygote.

Natera, Inc.
Classification: Uncertain significance for Retinitis pigmentosa. Last evaluated: 2020-01-10. Review status: no assertion criteria provided. Collection method: clinical testing. Allele origin: germline. Not counted in ClinVar's aggregate classification.